The following is an entry in ClinVar:

ClinVar aggregate classification (germline): Uncertain significance (1 of 4 stars; one submission).

Conditions:
Ehlers-Danlos syndrome, classic type, 1 (EDSCL1). Also called: EDS I; EHLERS-DANLOS SYNDROME, GRAVIS TYPE; EHLERS-DANLOS SYNDROME, SEVERE CLASSIC TYPE; Ehlers-Danlos syndrome, type 1; Ehlers-Danlos Syndrome, Classic Type, COL5A1-Related. Identifiers: MedGen C0268335, MONDO:0019567, OMIM 130000.

Allele frequency attached by ClinVar (database versions not stated): gnomAD exomes below 0.00001.
gnomAD v4.1: 1 of 1,551,008 alleles (0.000064%); highest among the groups gnomAD compares: Non-Finnish European, 0.000087%; no homozygotes.

Submission:

Labcorp Genetics (formerly Invitae), Labcorp
Classification: Uncertain significance for Ehlers-Danlos syndrome, classic type, 1. Last evaluated: 2023-07-13. Review status: criteria provided, single submitter. Criteria: Invitae Variant Classification Sherloc (09022015). Collection method: clinical testing. Allele origin: germline.
Comment: This variant has not been reported in the literature in individuals affected with COL5A1-related conditions. This variant is not present in population databases (gnomAD no frequency). This sequence change replaces proline, which is neutral and non-polar, with leucine, which is neutral and non-polar, at codon 1293 of the COL5A1 protein (p.Pro1293Leu). Advanced modeling of protein sequence and biophysical properties (such as structural, functional, and spatial information, amino acid conservation, physicochemical variation, residue mobility, and thermodynamic stability) has been performed at Invitae for this missense variant, however the output from this modeling did not meet the statistical confidence thresholds required to predict the impact of this variant on COL5A1 protein function. In summary, the available evidence is currently insufficient to determine the role of this variant in disease. Therefore, it has been classified as a Variant of Uncertain Significance.

NM_000093.5(COL5A1):c.3878C>T (p.Pro1293Leu)

Gene: COL5A1 (collagen type V alpha 1 chain; plus strand). Cytogenetic location: 9q34.3.
Variant type: single nucleotide variant.
Coding change: c.3878C>T on transcript NM_000093.5 (MANE Select); coding-DNA position 3878, C replaced by T.
Protein change: p.Pro1293Leu; replaces proline 1293 with leucine.
Molecular consequence: missense variant.
Genome position (GRCh38, 1-based): chr9:134,814,008, C>T. VCF-style: chr9-134814008-C-T. GRCh37 (hg19) VCF-style: chr9-137705854-C-T.
Other names: c.3878C>T, p.Pro1293Leu (NM_001278074.1); short protein forms P1293L.
Identifiers: ClinVar variation 2992318 (VCV002992318.3), dbSNP rs1427411524, ClinGen allele CA375455419.